The following is an entry in ClinVar:

ClinVar aggregate classification (germline): Conflicting classifications of pathogenicity. Review status: criteria provided, conflicting classifications (1 of 4 stars). 3 submissions from 3 submitters: Uncertain significance (1); Likely benign (2). Last evaluated 2024-03-21.

Conditions:
GATA4-related disorder. Also called: GATA4-related condition. Identifiers: MedGen CN860321.
Atrioventricular septal defect 4 (AVSD4). Identifiers: MedGen C3280781, MONDO:0013747, OMIM 614430.
Cardiovascular phenotype. Identifiers: MedGen CN230736.

gnomAD v4.1: 26 of 1,326,402 alleles (0.002%); highest among the groups gnomAD compares: South Asian, 0.054%; 1 homozygote.

Submissions (3):

Labcorp Genetics (formerly Invitae), Labcorp
Classification: Likely benign for Atrioventricular septal defect 4. Last evaluated: 2024-03-21. Review status: criteria provided, single submitter. Criteria: Invitae Variant Classification Sherloc (09022015). Collection method: clinical testing. Allele origin: germline.

PreventionGenetics, part of Exact Sciences
Classification: Uncertain significance for GATA4-related condition. Last evaluated: 2022-11-08. Review status: criteria provided, single submitter. Criteria: ACMG Guidelines, 2015. Collection method: clinical testing. Allele origin: germline.
Comment: The GATA4 c.333G>A variant is not predicted to result in an amino acid change (p.=). This variant is predicted to create a cryptic splice acceptor site based on available splicing prediction programs (Alamut Visual Plus v1.6.1). However, such computer prediction programs are imperfect. To our knowledge, this variant has not been reported in the literature. This variant is reported in 0.024% of alleles in individuals of South Asian descent in gnomAD; however, quality metrics at this site indicate this frequency may not be reliable. At this time, the clinical significance of this variant is uncertain due to the absence of conclusive functional and genetic evidence.

Ambry Genetics
Classification: Likely benign for Cardiovascular phenotype. Last evaluated: 2021-05-20. Review status: criteria provided, single submitter. Criteria: Ambry Variant Classification Scheme 2023. Collection method: clinical testing. Allele origin: germline.

NM_001308093.3(GATA4):c.333G>A (p.Pro111=)

Gene: GATA4 (GATA binding protein 4). Cytogenetic location: 8p23.1.
Variant type: single nucleotide variant.
Coding change: c.333G>A on transcript NM_001308093.3 (MANE Select); coding-DNA position 333, G replaced by A.
Protein change: p.Pro111=; no amino-acid change (proline 111 retained).
Molecular consequence: synonymous variant. On other transcripts: intron variant (3).
Genome position (GRCh38, 1-based): chr8:11,708,645, G>A. VCF-style: chr8-11708645-G-A. GRCh37 (hg19) VCF-style: chr8-11566154-G-A.
Other names: c.333G>A (NM_002052.4); c.333G>A, p.Pro111= (NM_002052.5); c.-6+7867G>A (NM_001308094.2); c.-3+631G>A (NM_001374274.1); c.-3+4341G>A (NM_001374273.1).
Identifiers: ClinVar variation 1410211 (VCV001410211.8), dbSNP rs1331416104, ClinGen allele CA459624705.